The following is an entry in ClinVar:

ClinVar aggregate classification (germline): Uncertain significance. Review status: criteria provided, multiple submitters, no conflicts (2 of 4 stars). 2 submissions from 2 submitters: Uncertain significance (2). Last evaluated 2025-05-28.

Conditions:
Primary ciliary dyskinesia. Also called: Ciliary dyskinesia. Identifiers: Orphanet 244, MedGen C0008780, MONDO:0016575, HP:0012265.

Allele frequency attached by ClinVar (database versions not stated): gnomAD 0.00001; gnomAD exomes 0.00001; TOPMed 0.00001; ExAC 0.00002.
gnomAD v4.1: 10 of 1,607,230 alleles (0.00062%); highest among the groups gnomAD compares: Non-Finnish European, 0.00085%; no homozygotes.

Submissions (2):

Ambry Genetics
Classification: Uncertain significance. Last evaluated: 2025-05-28. Review status: criteria provided, single submitter. Criteria: Ambry Variant Classification Scheme 2023. Collection method: clinical testing. Allele origin: germline.

Labcorp Genetics (formerly Invitae), Labcorp
Classification: Uncertain significance for Primary ciliary dyskinesia. Last evaluated: 2023-11-24. Review status: criteria provided, single submitter. Criteria: Invitae Variant Classification Sherloc (09022015). Collection method: clinical testing. Allele origin: germline.
Comment: This sequence change replaces valine, which is neutral and non-polar, with alanine, which is neutral and non-polar, at codon 4430 of the DNAH8 protein (p.Val4430Ala). This variant is present in population databases (rs765911536, gnomAD 0.003%). This variant has not been reported in the literature in individuals affected with DNAH8-related conditions. Advanced modeling of protein sequence and biophysical properties (such as structural, functional, and spatial information, amino acid conservation, physicochemical variation, residue mobility, and thermodynamic stability) performed at Invitae indicates that this missense variant is not expected to disrupt DNAH8 protein function with a negative predictive value of 80%. In summary, the available evidence is currently insufficient to determine the role of this variant in disease. Therefore, it has been classified as a Variant of Uncertain Significance.

NM_001206927.2(DNAH8):c.13289T>C (p.Val4430Ala)

Gene: DNAH8 (dynein axonemal heavy chain 8; plus strand). Cytogenetic location: 6p21.2.
Variant type: single nucleotide variant.
Coding change: c.13289T>C on transcript NM_001206927.2 (MANE Select); coding-DNA position 13289, T replaced by C.
Protein change: p.Val4430Ala; replaces valine 4430 with alanine.
Molecular consequence: missense variant.
Genome position (GRCh38, 1-based): chr6:39,008,888, T>C. VCF-style: chr6-39008888-T-C. GRCh37 (hg19) VCF-style: chr6-38976664-T-C.
Other names: c.13289T>C (NM_001206927.1); c.12638T>C, p.Val4213Ala (NM_001371.4); short protein forms V4213A, V4430A.
Identifiers: ClinVar variation 2961430 (VCV002961430.4), dbSNP rs765911536, ClinGen allele CA3791630.